The following is an entry in ClinVar:

NM_198578.4(LRRK2):c.2575G>A (p.Gly859Ser)

Gene: LRRK2 (leucine rich repeat kinase 2; plus strand). Cytogenetic location: 12q12.
Variant type: single nucleotide variant.
Coding change: c.2575G>A on transcript NM_198578.4 (MANE Select); coding-DNA position 2575, G replaced by A.
Protein change: p.Gly859Ser; replaces glycine 859 with serine.
Molecular consequence: missense variant.
Genome position (GRCh38, 1-based): chr12:40,287,425, G>A. VCF-style: chr12-40287425-G-A. GRCh37 (hg19) VCF-style: chr12-40681227-G-A.
Other names: short protein forms G859S.
Identifiers: ClinVar variation 1793301 (VCV001793301.2), dbSNP rs2499679491, ClinGen allele CA384408744.

ClinVar aggregate classification (germline): Uncertain significance (1 of 4 stars; one submission).

Conditions:
Inborn genetic diseases. Identifiers: MedGen C0950123, MeSH D030342.

Submission:

Ambry Genetics
Classification: Uncertain significance for Inborn genetic diseases. Last evaluated: 2022-02-06. Review status: criteria provided, single submitter. Criteria: Ambry Variant Classification Scheme 2023. Collection method: clinical testing. Allele origin: germline.
Comment: The p.G859S variant (also known as c.2575G>A), located in coding exon 20 of the LRRK2 gene, results from a G to A substitution at nucleotide position 2575. The glycine at codon 859 is replaced by serine, an amino acid with similar properties. This amino acid position is conserved. In addition, this alteration is predicted to be tolerated by in silico analysis. Since supporting evidence is limited at this time, the clinical significance of this alteration remains unclear.